The following is an entry in ClinVar:

ClinVar aggregate classification (germline): Likely benign (0 of 4 stars; one submission).

Conditions:
AMZ2-related disorder. Also called: AMZ2-related condition.

Allele frequency attached by ClinVar (database versions not stated): ExAC 0.00003; gnomAD exomes 0.00003; ESP Exome Variant Server 0.00015; 1000 Genomes Project 30x 0.00016; 1000 Genomes Project 0.00020; gnomAD 0.00021; TOPMed 0.00028.
gnomAD v4.1: 84 of 1,608,840 alleles (0.0052%); highest among the groups gnomAD compares: African/African-American, 0.083%; no homozygotes.

Submission:

PreventionGenetics, part of Exact Sciences
Classification: Likely benign for AMZ2-related condition. Last evaluated: 2019-02-19. Review status: no assertion criteria provided. Collection method: clinical testing. Allele origin: germline.
Comment: This variant is classified as likely benign based on ACMG/AMP sequence variant interpretation guidelines (Richards et al. 2015 PMID: 25741868, with internal and published modifications).

NM_016627.5(AMZ2):c.459G>A (p.Gly153=)

Gene: AMZ2 (archaelysin family metallopeptidase 2; plus strand). Cytogenetic location: 17q24.2.
Variant type: single nucleotide variant.
Coding change: c.459G>A on transcript NM_016627.5 (MANE Select); coding-DNA position 459, G replaced by A.
Protein change: p.Gly153=; no amino-acid change (glycine 153 retained).
Molecular consequence: synonymous variant. On other transcripts: non-coding transcript variant (2).
Genome position (GRCh38, 1-based): chr17:68,251,051, G>A. VCF-style: chr17-68251051-G-A. GRCh37 (hg19) VCF-style: chr17-66247192-G-A.
Other names: c.459G>A, p.Gly153= (NM_001033569.2, NM_001033570.2, NM_001033571.1 and 12 more transcripts); c.285G>A, p.Gly95= (NM_001033574.2, NM_001346480.1); c.357G>A, p.Gly119= (NM_001346481.1, NM_001346482.1, NM_001346483.2 and 1 more transcripts); c.291G>A, p.Gly97= (NM_001346485.2).
Identifiers: ClinVar variation 3046922 (VCV003046922.2), dbSNP rs61739674, ClinGen allele CA8727558.